The following is an entry in ClinVar:

ClinVar aggregate classification (germline): Uncertain significance (1 of 4 stars; one submission).

Conditions:
Seizures, benign familial infantile, 3 (BFIS3). Also called: Familial neonatal seizures; CONVULSIONS, BENIGN FAMILIAL INFANTILE, 3. Identifiers: Orphanet 140927, Orphanet 306, MedGen C1843140, MONDO:0011904, OMIM 607745.
Developmental and epileptic encephalopathy, 11 (DEE11). Also called: Early infantile epileptic encephalopathy 11. Identifiers: Orphanet 1934, MedGen C3150987, MONDO:0013388, OMIM 613721.

Submission:

Labcorp Genetics (formerly Invitae), Labcorp
Classification: Uncertain significance for Seizures, benign familial infantile, 3; Developmental and epileptic encephalopathy, 11. Last evaluated: 2022-08-15. Review status: criteria provided, single submitter. Criteria: Invitae Variant Classification Sherloc (09022015). Collection method: clinical testing. Allele origin: germline.
Comment: This variant has not been reported in the literature in individuals affected with SCN2A-related conditions. This variant is not present in population databases (gnomAD no frequency). This sequence change replaces arginine, which is basic and polar, with isoleucine, which is neutral and non-polar, at codon 1309 of the SCN2A protein (p.Arg1309Ile). ClinVar contains an entry for this variant (Variation ID: 834761). In summary, the available evidence is currently insufficient to determine the role of this variant in disease. Therefore, it has been classified as a Variant of Uncertain Significance. Algorithms developed to predict the effect of missense changes on protein structure and function are either unavailable or do not agree on the potential impact of this missense change (SIFT: "Deleterious"; PolyPhen-2: "Probably Damaging"; Align-GVGD: "Class C0").

NM_001040142.2(SCN2A):c.3926G>T (p.Arg1309Ile)

Gene: SCN2A (sodium voltage-gated channel alpha subunit 2; plus strand). Cytogenetic location: 2q24.3.
Variant type: single nucleotide variant.
Coding change: c.3926G>T on transcript NM_001040142.2 (MANE Select); coding-DNA position 3926, G replaced by T.
Protein change: p.Arg1309Ile; replaces arginine 1309 with isoleucine.
Molecular consequence: missense variant.
Genome position (GRCh38, 1-based): chr2:165,373,301, G>T. VCF-style: chr2-165373301-G-T. GRCh37 (hg19) VCF-style: chr2-166229811-G-T.
Other names: c.3926G>T, p.Arg1309Ile (NM_001040143.2, NM_001371246.1, NM_001371247.1 and 1 more transcripts); short protein forms R1309I.
Identifiers: ClinVar variation 834761 (VCV000834761.10), dbSNP rs1701139719, ClinGen allele CA349029262.